The following is an entry in ClinVar:

NM_005198.4(CHKB):c.-553C>G

Genes: CHKB (choline kinase beta; minus strand), CHKB-DT (CHKB divergent transcript; plus strand), LOC130067884 (ATAC-STARR-seq lymphoblastoid silent region 14002; plus strand). Cytogenetic location: 22q13.33.
Variant type: single nucleotide variant.
Coding change: c.-553C>G on transcript NM_005198.4; 553 bases upstream of the start codon, C replaced by G.
Genome position (GRCh38, 1-based): chr22:50,583,334, G>C on the plus strand (C>G on the coding strand, the complement: CHKB is on the minus strand). VCF-style: chr22-50583334-G-C. GRCh37 (hg19) VCF-style: chr22-51021763-G-C.
Identifiers: ClinVar variation 671819 (VCV000671819.4), dbSNP rs6010014, ClinGen allele CA325541938.

ClinVar aggregate classification (germline): Benign. Review status: criteria provided, multiple submitters, no conflicts (2 of 4 stars). 2 submissions from 2 submitters: Benign (2). Last evaluated 2018-06-18.

Allele frequency attached by ClinVar (database versions not stated): 1000 Genomes Project 30x 0.15928; gnomAD 0.14720 and 0.15212; TOPMed 0.15217; 1000 Genomes Project 0.15974; gnomAD exomes 0.07536.

Submissions (2):

GeneDx
Classification: Benign. Last evaluated: 2018-06-18. Review status: criteria provided, single submitter. Criteria: GeneDx Variant Classification (06012015). Collection method: clinical testing. Allele origin: germline. Affected: yes.
Comment: This variant is considered likely benign or benign based on one or more of the following criteria: it is a conservative change, it occurs at a poorly conserved position in the protein, it is predicted to be benign by multiple in silico algorithms, and/or has population frequency not consistent with disease.

Breakthrough Genomics
Classification: Benign. Review status: criteria provided, single submitter. Criteria: ACMG Guidelines, 2015. Collection method: not provided. Allele origin: germline. Inheritance: Autosomal recessive inheritance. Affected: yes.